The following is an entry in ClinVar:

NM_000138.5(FBN1):c.7382A>G (p.Asn2461Ser)

Gene: FBN1 (fibrillin 1; minus strand). Cytogenetic location: 15q21.1.
Variant type: single nucleotide variant.
Coding change: c.7382A>G on transcript NM_000138.5 (MANE Select); coding-DNA position 7382, A replaced by G.
Protein change: p.Asn2461Ser; replaces asparagine 2461 with serine.
Molecular consequence: missense variant.
Genome position (GRCh38, 1-based): chr15:48,425,440, T>C on the plus strand (A>G on the coding strand, the complement: FBN1 is on the minus strand). VCF-style: chr15-48425440-T-C. GRCh37 (hg19) VCF-style: chr15-48717637-T-C.
Other names: short protein forms N2461S.
Identifiers: ClinVar variation 519781 (VCV000519781.16), dbSNP rs1555394405, ClinGen allele CA392327866.

ClinVar aggregate classification (germline): Conflicting classifications of pathogenicity. Review status: criteria provided, conflicting classifications (1 of 4 stars). 2 submissions from 2 submitters: Pathogenic (1); Uncertain significance (1). Last evaluated 2026-03-04.

Conditions:
Familial thoracic aortic aneurysm and aortic dissection (TAAD). Also called: Thoracic aortic aneurysms and dissections. Identifiers: Orphanet 91387, MedGen C4707243, MONDO:0019625.
Marfan syndrome (MFS). Also called: Marfan syndrome type 1; Marfan syndrome, classic; Marfan's syndrome; FBN1-Related Marfan Syndrome; MARFAN SYNDROME, TYPE I. Identifiers: Orphanet 284963, Orphanet 558, MedGen C0024796, MONDO:0007947, OMIM 154700.

Submissions (2):

Ambry Genetics
Classification: Uncertain significance for Familial thoracic aortic aneurysm and aortic dissection. Last evaluated: 2026-03-04. Review status: criteria provided, single submitter. Criteria: Ambry Variant Classification Scheme 2023. Collection method: clinical testing. Allele origin: germline.
Comment: The p.N2461S variant (also known as c.7382A>G), located in coding exon 59 of the FBN1 gene, results from an A to G substitution at nucleotide position 7382. The asparagine at codon 2461 is replaced by serine, an amino acid with highly similar properties. This variant was identified in one or more individuals with features consistent with Marfan syndrome and segregated with disease in at least one family (external communication; Ambry internal data). This variant alters a conserved residue in the calcium-binding consensus sequence of a cbEGF domain and is expected to disrupt FBN1 function (Handford PA et al. Nature. 1991; 351(6322):164-7). This amino acid position is highly conserved in available vertebrate species. In addition, the in silico prediction for this alteration is inconclusive. Based on the available evidence, the clinical significance of this variant remains unclear.

Labcorp Genetics (formerly Invitae), Labcorp
Classification: Pathogenic for Marfan syndrome; Familial thoracic aortic aneurysm and aortic dissection. Last evaluated: 2025-02-03. Review status: criteria provided, single submitter. Criteria: Invitae Variant Classification Sherloc (09022015). Collection method: clinical testing. Allele origin: germline.
Comment: This sequence change replaces asparagine, which is neutral and polar, with serine, which is neutral and polar, at codon 2461 of the FBN1 protein (p.Asn2461Ser). This variant is not present in population databases (gnomAD no frequency). This missense change has been observed in individual(s) with clinical features of Marfan syndrome (internal data). It has also been observed to segregate with disease in related individuals. ClinVar contains an entry for this variant (Variation ID: 519781). Invitae Evidence Modeling of protein sequence and biophysical properties (such as structural, functional, and spatial information, amino acid conservation, physicochemical variation, residue mobility, and thermodynamic stability) indicates that this missense variant is expected to disrupt FBN1 protein function with a positive predictive value of 95%. This variant disrupts the p.Asn2461 amino acid residue in FBN1. Other variant(s) that disrupt this residue have been observed in individuals with FBN1-related conditions (PMID: 19293843, 26787436), which suggests that this may be a clinically significant amino acid residue. For these reasons, this variant has been classified as Pathogenic.

Literature cited by the submitters: PubMed 19293843 (cited by Labcorp Genetics (formerly Invitae), Labcorp); PubMed 26787436 (cited by Labcorp Genetics (formerly Invitae), Labcorp).